The following is an entry in ClinVar:

NM_004304.5(ALK):c.4600G>T (p.Gly1534Trp)

Gene: ALK (ALK receptor tyrosine kinase; minus strand). Cytogenetic location: 2p23.2.
Variant type: single nucleotide variant.
Coding change: c.4600G>T on transcript NM_004304.5 (MANE Select); coding-DNA position 4600, G replaced by T.
Protein change: p.Gly1534Trp; replaces glycine 1534 with tryptophan.
Molecular consequence: missense variant.
Genome position (GRCh38, 1-based): chr2:29,193,487, C>A on the plus strand (G>T on the coding strand, the complement: ALK is on the minus strand). VCF-style: chr2-29193487-C-A. GRCh37 (hg19) VCF-style: chr2-29416353-C-A.
Other names: c.1396G>T, p.Gly466Trp (NM_001353765.2); short protein forms G1534W, G466W.
Identifiers: ClinVar variation 4727473 (VCV004727473.1).

ClinVar aggregate classification (germline): Uncertain significance (1 of 4 stars; one submission).

Conditions:
Neuroblastoma, susceptibility to, 3. Also called: ALK-Related Neuroblastic Tumor Susceptibility. Identifiers: Orphanet 635, MedGen C2751681, MONDO:0013083, OMIM 613014.

Submission:

Labcorp Genetics (formerly Invitae), Labcorp
Classification: Uncertain significance for Neuroblastoma, susceptibility to, 3. Last evaluated: 2025-09-20. Review status: criteria provided, single submitter. Criteria: Invitae Variant Classification Sherloc (09022015). Collection method: clinical testing. Allele origin: germline.
Comment: This sequence change replaces glycine, which is neutral and non-polar, with tryptophan, which is neutral and slightly polar, at codon 1534 of the ALK protein (p.Gly1534Trp). This variant is not present in population databases (gnomAD no frequency). This variant has not been reported in the literature in individuals affected with ALK-related conditions. An algorithm developed to predict the effect of missense changes on protein structure and function (PolyPhen-2) suggests that this variant is likely to be disruptive. In summary, the available evidence is currently insufficient to determine the role of this variant in disease. Therefore, it has been classified as a Variant of Uncertain Significance.